The following is an entry in ClinVar:

NM_000077.5(CDKN2A):c.112C>T (p.Pro38Ser)

Gene: CDKN2A (cyclin dependent kinase inhibitor 2A; minus strand). Cytogenetic location: 9p21.3.
Variant type: single nucleotide variant.
Coding change: c.112C>T on transcript NM_000077.5; coding-DNA position 112, C replaced by T.
Protein change: p.Pro38Ser; replaces proline 38 with serine.
Molecular consequence: missense variant (on NM_000077.6). On other transcripts: intron variant (2).
Genome position (GRCh38, 1-based): chr9:21,974,716, G>A on the plus strand (C>T on the coding strand, the complement: CDKN2A is on the minus strand). VCF-style: chr9-21974716-G-A. GRCh37 (hg19) VCF-style: chr9-21974715-G-A.
Other names: c.112C>T, p.Pro38Ser (NM_000077.6, NM_001195132.2, NM_058197.5); c.-3-3508C>T (NM_001363763.2); c.194-3508C>T (NM_058195.4); short protein forms P38S.
Identifiers: ClinVar variation 822217 (VCV000822217.20), dbSNP rs1587339752, ClinGen allele CA373086545.

ClinVar aggregate classification (germline): Uncertain significance. Review status: criteria provided, multiple submitters, no conflicts (2 of 4 stars). 5 submissions from 5 submitters: Uncertain significance (5). Last evaluated 2025-10-15.

Conditions:
Hereditary cancer-predisposing syndrome. Also called: Neoplastic Syndromes, Hereditary; Tumor predisposition; Hereditary Cancer Syndrome; Hereditary neoplastic syndrome. Identifiers: Orphanet 140162, MedGen C0027672, MeSH D009386, MONDO:0015356.
Familial melanoma. Also called: Hereditary melanoma; Hereditary cutaneous melanoma. Identifiers: Orphanet 618, MedGen C1512419, MONDO:0018961.

Allele frequency attached by ClinVar (database versions not stated): gnomAD exomes below 0.00001.

Submissions (5):

Labcorp Genetics (formerly Invitae), Labcorp
Classification: Uncertain significance for Familial melanoma. Last evaluated: 2025-10-15. Review status: criteria provided, single submitter. Criteria: Invitae Variant Classification Sherloc (09022015). Collection method: clinical testing. Allele origin: germline.
Comment: This sequence change replaces proline, which is neutral and non-polar, with serine, which is neutral and polar, at codon 38 of the CDKN2A (p16INK4a) protein (p.Pro38Ser). This variant is not present in population databases (gnomAD no frequency). This missense change has been observed in individual(s) with multiple primary melanomas (PMID: 17890059). ClinVar contains an entry for this variant (Variation ID: 822217). An algorithm developed to predict the effect of missense changes on protein structure and function (PolyPhen-2) suggests that this variant is likely to be disruptive. In summary, the available evidence is currently insufficient to determine the role of this variant in disease. Therefore, it has been classified as a Variant of Uncertain Significance.

Ambry Genetics
Classification: Uncertain significance for Hereditary cancer-predisposing syndrome. Last evaluated: 2025-07-30. Review status: criteria provided, single submitter. Criteria: Ambry Variant Classification Scheme 2023. Collection method: clinical testing. Allele origin: germline.
Comment: The p.P38S variant (also known as c.112C>T), located in coding exon 1 of the CDKN2A gene, results from a C to T substitution at nucleotide position 112. The proline at codon 38 is replaced by serine, an amino acid with similar properties. This variant has been identified in an individual with multiple primary melanomas and was classified as a variant of uncertain significance using Bayesian method (Miller PJ et al. Hum Mutat, 2011 Aug;32:900-11). This amino acid position is not well conserved in available vertebrate species. In addition, the in silico prediction for this alteration is inconclusive. Since supporting evidence is limited at this time, the clinical significance of this alteration remains unclear.

Color Diagnostics, LLC DBA Color Health
Classification: Uncertain significance for Hereditary cancer-predisposing syndrome. Last evaluated: 2024-03-20. Review status: criteria provided, single submitter. Criteria: ACMG Guidelines, 2015. Collection method: clinical testing. Allele origin: germline.
Comment: This missense variant replaces proline with serine at codon 38 of the CDKN2A protein. Computational prediction suggests that this variant may not impact protein structure and function. To our knowledge, functional studies have not been reported for this variant. This variant has been reported in an individual affected with multiple primary melanoma (PMID: 17890059). This variant has not been identified in the general population by the Genome Aggregation Database (gnomAD). The available evidence is insufficient to determine the role of this variant in disease conclusively. Therefore, this variant is classified as a Variant of Uncertain Significance.

GeneDx
Classification: Uncertain significance. Last evaluated: 2022-12-06. Review status: criteria provided, single submitter. Criteria: GeneDx Variant Classification Process June 2021. Collection method: clinical testing. Allele origin: germline. Affected: yes.
Comment: Not observed at significant frequency in large population cohorts (gnomAD); In silico analysis supports that this missense variant has a deleterious effect on protein structure/function; Identified in an individual with multiple primary or familial melanoma (Lukowsky et al., 2008); This variant is associated with the following publications: (PMID: 21462282, 17047042, 17890059)

Sema4
Classification: Uncertain significance for Hereditary cancer-predisposing syndrome. Last evaluated: 2022-03-18. Review status: criteria provided, single submitter. Criteria: Sema4 Curation Guidelines. Collection method: curation. Allele origin: germline.
Comment: The CDKN2A c.112C>T (p.P38S) variant has been reported in two individuals with multiple primary melanoma (PMID 17890059, 21462282). This variant is not reported in the population database Genome Aggregation Database (PMID 32461654). The variant has been reported in ClinVar (Variation ID 822217). Functional studies have not been performed, and in silico predictions of the variant's effect on protein function are inconclusive. A different missense change at this codon, c.113C>G (p.P38R), has been reported in an individual affected with cutaneous malignant melanoma (PMID 17047042). The evidence is insufficient to meet ACMG/AMP criteria for classifying the variant as benign or pathogenic. Based on the current evidence available, this variant is interpreted as a variant of uncertain significance.

Literature cited by the submitters: PubMed 17890059 (cited by 4 submitters); PubMed 21462282 (cited by Ambry Genetics and Sema4); PubMed 17047042 (cited by Sema4).